The following is an entry in ClinVar:

NM_001298.3(CNGA3):c.1250T>C (p.Ile417Thr)

Gene: CNGA3 (cyclic nucleotide gated channel subunit alpha 3; plus strand). Cytogenetic location: 2q11.2.
Variant type: single nucleotide variant.
Coding change: c.1250T>C on transcript NM_001298.3 (MANE Select); coding-DNA position 1250, T replaced by C.
Protein change: p.Ile417Thr; replaces isoleucine 417 with threonine.
Molecular consequence: missense variant.
Genome position (GRCh38, 1-based): chr2:98,396,420, T>C. VCF-style: chr2-98396420-T-C. GRCh37 (hg19) VCF-style: chr2-99012883-T-C.
Other names: c.1196T>C, p.Ile399Thr (NM_001079878.2); c.1250T>C (NM_001298.2); short protein forms I399T, I417T.
Identifiers: ClinVar variation 1470634 (VCV001470634.13), dbSNP rs750132405, ClinGen allele CA1793970.

ClinVar aggregate classification (germline): Conflicting classifications of pathogenicity. Review status: criteria provided, conflicting classifications (1 of 4 stars). 6 submissions from 6 submitters: Likely pathogenic (1); Uncertain significance (4). 1 of the submissions does not count toward it. Last evaluated 2024-12-16.

Conditions:
Retinal dystrophy. Also called: Inherited retinal dystrophy. Identifiers: Orphanet 71862, MedGen C0854723, MeSH D058499, MONDO:0019118, HP:0000556.
Inborn genetic diseases. Identifiers: MedGen C0950123, MeSH D030342.
Achromatopsia 2 (ACHM2). Also called: COLORBLINDNESS, TOTAL; ROD MONOCHROMACY 2; ROD MONOCHROMATISM 2. Identifiers: Orphanet 49382, MedGen C1857618, MONDO:0009003, OMIM 216900.

Allele frequency attached by ClinVar (database versions not stated): gnomAD exomes 0.00003; TOPMed 0.00003; gnomAD 0.00001 and 0.00002; ExAC 0.00002.

Submissions (6):

Ambry Genetics
Classification: Uncertain significance for Inborn genetic diseases. Last evaluated: 2024-12-16. Review status: criteria provided, single submitter. Criteria: Ambry Variant Classification Scheme 2023. Collection method: clinical testing. Allele origin: germline.

Blueprint Genetics
Classification: Uncertain significance. Last evaluated: 2022-07-18. Review status: criteria provided, single submitter. Criteria: ACMG Guidelines, 2015. Collection method: clinical testing. Allele origin: germline.

Labcorp Genetics (formerly Invitae), Labcorp
Classification: Uncertain significance. Last evaluated: 2021-02-15. Review status: criteria provided, single submitter. Criteria: Invitae Variant Classification Sherloc (09022015). Collection method: clinical testing. Allele origin: germline.
Comment: This sequence change replaces isoleucine with threonine at codon 417 of the CNGA3 protein (p.Ile417Thr). The isoleucine residue is moderately conserved and there is a moderate physicochemical difference between isoleucine and threonine. This variant is present in population databases (rs750132405, ExAC 0.02%). This variant has not been reported in the literature in individuals with CNGA3-related conditions. Advanced modeling of protein sequence and biophysical properties (such as structural, functional, and spatial information, amino acid conservation, physicochemical variation, residue mobility, and thermodynamic stability) performed at Invitae indicates that this missense variant is expected to disrupt CNGA3 protein function. In summary, the available evidence is currently insufficient to determine the role of this variant in disease. Therefore, it has been classified as a Variant of Uncertain Significance.

Breakthrough Genomics
Classification: Uncertain significance. Review status: criteria provided, single submitter. Criteria: ACMG Guidelines, 2015. Collection method: not provided. Allele origin: germline. Inheritance: Autosomal recessive inheritance. Affected: yes.

Kariminejad - Najmabadi Pathology & Genetics Center
Classification: Likely pathogenic for Achromatopsia 2. Review status: criteria provided, single submitter. Criteria: ACMG Guidelines, 2015. Collection method: clinical testing. Allele origin: germline. Affected: no.

Institute of Human Genetics, Univ. Regensburg, Univ. Regensburg
Classification: Uncertain significance for Retinal dystrophy. Last evaluated: 2023-01-01. Review status: no assertion criteria provided. Criteria: ACMG Guidelines, 2015. Collection method: clinical testing. Allele origin: germline. Affected: yes. Not counted in ClinVar's aggregate classification.